The following is an entry in ClinVar:

NM_020631.6(PLEKHG5):c.260T>C (p.Ile87Thr)

Gene: PLEKHG5 (pleckstrin homology and RhoGEF domain containing G5; minus strand). Cytogenetic location: 1p36.31.
Variant type: single nucleotide variant.
Coding change: c.260T>C on transcript NM_020631.6 (MANE Select); coding-DNA position 260, T replaced by C.
Protein change: p.Ile87Thr; replaces isoleucine 87 with threonine.
Molecular consequence: missense variant.
Genome position (GRCh38, 1-based): chr1:6,475,089, A>G on the plus strand (T>C on the coding strand, the complement: PLEKHG5 is on the minus strand). VCF-style: chr1-6475089-A-G. GRCh37 (hg19) VCF-style: chr1-6535149-A-G.
Other names: c.260T>C, p.Ile87Thr (NM_001265594.3, NM_198681.4, NM_001042664.2 and 1 more transcripts); c.371T>C, p.Ile124Thr (NM_001042663.3, NM_001265592.2); c.467T>C, p.Ile156Thr (NM_001265593.2); short protein forms I87T, I156T, I124T.
Identifiers: ClinVar variation 297975 (VCV000297975.22), dbSNP rs117505788, ClinGen allele CA561921.

ClinVar aggregate classification (germline): Benign. Review status: criteria provided, multiple submitters, no conflicts (2 of 4 stars). 5 submissions from 5 submitters: Benign (5). Last evaluated 2026-01-31.

Conditions:
PLEKHG5-related disorder. Also called: PLEKHG5-related condition.
Charcot-Marie-Tooth disease recessive intermediate C. Also called: CHARCOT-MARIE-TOOTH NEUROPATHY, RECESSIVE INTERMEDIATE C. Identifiers: Orphanet 369867, MedGen C3809309, MONDO:0014154, OMIM 615376.
Neuronopathy, distal hereditary motor, autosomal recessive 4. Also called: NEUROPATHY, DISTAL HEREDITARY MOTOR, AUTOSOMAL RECESSIVE 4; Autosomal recessive lower motor neuron disease with childhood onset. Identifiers: Orphanet 206580, MedGen C1970211, MONDO:0012608, OMIM 611067.

Allele frequency attached by ClinVar (database versions not stated): ESP Exome Variant Server 0.00023; gnomAD 0.00136 and 0.00182; gnomAD exomes 0.00136 and 0.00384; TOPMed 0.00256; ExAC 0.00360; 1000 Genomes Project 0.00799; 1000 Genomes Project 30x 0.00828.
gnomAD v4.1: 2,291 of 1,612,190 alleles (0.14%); highest among the groups gnomAD compares: East Asian, 4.2%; 33 homozygotes.

Submissions (5):

Labcorp Genetics (formerly Invitae), Labcorp
Classification: Benign for Neuronopathy, distal hereditary motor, autosomal recessive 4; Charcot-Marie-Tooth disease recessive intermediate C. Last evaluated: 2026-01-31. Review status: criteria provided, single submitter. Criteria: Invitae Variant Classification Sherloc (09022015). Collection method: clinical testing. Allele origin: germline.

PreventionGenetics, part of Exact Sciences
Classification: Benign for PLEKHG5-related condition. Last evaluated: 2025-06-06. Review status: criteria provided, single submitter. Criteria: ACMG Guidelines, 2015. Collection method: clinical testing. Allele origin: germline.
Comment: This variant is classified as benign based on ACMG/AMP sequence variant interpretation guidelines (Richards et al. 2015 PMID: 25741868, with internal and published modifications).

ARUP Laboratories, Molecular Genetics and Genomics, ARUP Laboratories
Classification: Benign. Last evaluated: 2018-02-22. Review status: criteria provided, single submitter. Criteria: ARUP Molecular Germline Variant Investigation Process. Collection method: clinical testing. Allele origin: germline.

Illumina Laboratory Services, Illumina
Classification: Benign for Neuronopathy, distal hereditary motor, autosomal recessive 4. Last evaluated: 2018-01-12. Review status: criteria provided, single submitter. Criteria: ICSL Variant Classification Criteria 13 December 2019. Collection method: clinical testing. Allele origin: germline.
Comment: This variant was observed in the ICSL laboratory as part of a predisposition screen in an ostensibly healthy population. It had not been previously curated by ICSL or reported in the Human Gene Mutation Database (HGMD: prior to June 1st, 2018), and was therefore a candidate for classification through an automated scoring system. Utilizing variant allele frequency, disease prevalence and penetrance estimates, and inheritance mode, an automated score was calculated to assess if this variant is too frequent to cause the disease. Based on the score and internal cut-off values, a variant classified as benign is not then subjected to further curation. The score for this variant resulted in a classification of benign for this disease.

GeneDx
Classification: Benign. Last evaluated: 2016-08-02. Review status: criteria provided, single submitter. Criteria: GeneDx Variant Classification (06012015). Collection method: clinical testing. Allele origin: germline. Affected: yes.
Comment: This variant is considered likely benign or benign based on one or more of the following criteria: it is a conservative change, it occurs at a poorly conserved position in the protein, it is predicted to be benign by multiple in silico algorithms, and/or has population frequency not consistent with disease.